The following is an entry in ClinVar:

NM_000316.3(PTH1R):c.764G>A (p.Arg255His)

Gene: PTH1R (parathyroid hormone 1 receptor; plus strand). Cytogenetic location: 3p21.31.
Variant type: single nucleotide variant.
Coding change: c.764G>A on transcript NM_000316.3 (MANE Select); coding-DNA position 764, G replaced by A.
Protein change: p.Arg255His; replaces arginine 255 with histidine.
Molecular consequence: missense variant.
Genome position (GRCh38, 1-based): chr3:46,898,787, G>A. VCF-style: chr3-46898787-G-A. GRCh37 (hg19) VCF-style: chr3-46940277-G-A.
Other names: c.764G>A, p.Arg255His (NM_001184744.1); short protein forms R255H.
Identifiers: ClinVar variation 2203349 (VCV002203349.4), dbSNP rs1027263198, ClinGen allele CA73769905.

ClinVar aggregate classification (germline): Uncertain significance (1 of 4 stars; one submission).

Allele frequency attached by ClinVar (database versions not stated): gnomAD 0.00002; TOPMed 0.00003.
gnomAD v4.1: 5 of 1,599,806 alleles (0.00031%); highest among the groups gnomAD compares: African/African-American, 0.0067%; no homozygotes.

Submission:

Labcorp Genetics (formerly Invitae), Labcorp
Classification: Uncertain significance. Last evaluated: 2025-02-02. Review status: criteria provided, single submitter. Criteria: Invitae Variant Classification Sherloc (09022015). Collection method: clinical testing. Allele origin: germline.
Comment: This sequence change replaces arginine, which is basic and polar, with histidine, which is basic and polar, at codon 255 of the PTH1R protein (p.Arg255His). This variant is present in population databases (no rsID available, gnomAD 0.01%). This variant has not been reported in the literature in individuals affected with PTH1R-related conditions. ClinVar contains an entry for this variant (Variation ID: 2203349). An algorithm developed to predict the effect of missense changes on protein structure and function (PolyPhen-2) suggests that this variant is likely to be tolerated. Experimental studies have shown that this missense change affects PTH1R function (PMID: 18559376). In summary, the available evidence is currently insufficient to determine the role of this variant in disease. Therefore, it has been classified as a Variant of Uncertain Significance.

Literature cited by the submitters: PubMed 18559376.